The following is an entry in ClinVar:

NM_152722.5(HEPACAM):c.1040C>G (p.Pro347Arg)

Gene: HEPACAM (hepatic and glial cell adhesion molecule; minus strand). Cytogenetic location: 11q24.2.
Variant type: single nucleotide variant.
Coding change: c.1040C>G on transcript NM_152722.5 (MANE Select); coding-DNA position 1040, C replaced by G.
Protein change: p.Pro347Arg; replaces proline 347 with arginine.
Molecular consequence: missense variant.
Genome position (GRCh38, 1-based): chr11:124,921,349, G>C on the plus strand (C>G on the coding strand, the complement: HEPACAM is on the minus strand). VCF-style: chr11-124921349-G-C. GRCh37 (hg19) VCF-style: chr11-124791245-G-C.
Other names: c.1196C>G, p.Pro399Arg (NM_001411043.1); short protein forms P347R, P399R.
Identifiers: ClinVar variation 2574890 (VCV002574890.2), dbSNP rs2497454743, ClinGen allele CA383137801.

ClinVar aggregate classification (germline): Uncertain significance (1 of 4 stars; one submission).

Submission:

GeneDx
Classification: Uncertain significance. Last evaluated: 2024-10-15. Review status: criteria provided, single submitter. Criteria: GeneDx Variant Classification Process June 2021. Collection method: clinical testing. Allele origin: germline. Affected: yes.
Comment: Not observed at significant frequency in large population cohorts (gnomAD); In silico analysis indicates that this missense variant does not alter protein structure/function; Has not been previously published as pathogenic or benign to our knowledge